The following is an entry in ClinVar:

NM_002180.3(IGHMBP2):c.2022G>A (p.Arg674=)

Gene: IGHMBP2 (immunoglobulin mu DNA binding protein 2; plus strand). Cytogenetic location: 11q13.3.
Variant type: single nucleotide variant.
Coding change: c.2022G>A on transcript NM_002180.3 (MANE Select); coding-DNA position 2022, G replaced by A.
Protein change: p.Arg674=; no amino-acid change (arginine 674 retained).
Molecular consequence: synonymous variant.
Genome position (GRCh38, 1-based): chr11:68,936,502, G>A. VCF-style: chr11-68936502-G-A. GRCh37 (hg19) VCF-style: chr11-68703970-G-A.
Identifiers: ClinVar variation 391354 (VCV000391354.34), dbSNP rs111366439, ClinGen allele CA6153826.

ClinVar aggregate classification (germline): Likely benign. Review status: criteria provided, multiple submitters, no conflicts (2 of 4 stars). 5 submissions from 5 submitters: Likely benign (5). Last evaluated 2025-12-04.

Conditions:
Inborn genetic diseases. Identifiers: MedGen C0950123, MeSH D030342.
IGHMBP2-related disorder. Also called: IGHMBP2-related condition; IGHMBP2-related disorders.
Charcot-Marie-Tooth disease axonal type 2S. Also called: CHARCOT-MARIE-TOOTH DISEASE, AXONAL, AUTOSOMAL RECESSIVE, TYPE 2S; CHARCOT-MARIE-TOOTH NEUROPATHY, TYPE 2S. Identifiers: Orphanet 443073, MedGen C4015349, MONDO:0014511, OMIM 616155.
Autosomal recessive distal spinal muscular atrophy 1. Also called: NEURONOPATHY, DISTAL HEREDITARY MOTOR, HARDING TYPE VI; NEUROPATHY, DISTAL HEREDITARY MOTOR, AUTOSOMAL RECESSIVE 1; NEURONOPATHY, SEVERE INFANTILE AXONAL, WITH RESPIRATORY FAILURE; SEVERE INFANTILE AXONAL NEUROPATHY WITH RESPIRATORY FAILURE; SPINAL MUSCULAR ATROPHY, DIAPHRAGMATIC; Spinal muscular atrophy with respiratory distress 1. Identifiers: Orphanet 98920, MedGen C1858517, MONDO:0011436, OMIM 604320.

Allele frequency attached by ClinVar (database versions not stated): 1000 Genomes Project 30x 0.00047; 1000 Genomes Project 0.00060; gnomAD 0.00001 and 0.00005; TOPMed 0.00001; ExAC 0.00002.
gnomAD v4.1: 31 of 1,613,706 alleles (0.0019%); highest among the groups gnomAD compares: African/African-American, 0.036%; no homozygotes.

Submissions (5):

PreventionGenetics, part of Exact Sciences
Classification: Likely benign for IGHMBP2-related condition. Last evaluated: 2025-12-04. Review status: criteria provided, single submitter. Criteria: ACMG Guidelines, 2015. Collection method: clinical testing. Allele origin: germline.
Comment: This variant is classified as likely benign based on ACMG/AMP sequence variant interpretation guidelines (Richards et al. 2015 PMID: 25741868, with internal and published modifications).

Labcorp Genetics (formerly Invitae), Labcorp
Classification: Likely benign for Autosomal recessive distal spinal muscular atrophy 1; Charcot-Marie-Tooth disease axonal type 2S. Last evaluated: 2025-09-15. Review status: criteria provided, single submitter. Criteria: Invitae Variant Classification Sherloc (09022015). Collection method: clinical testing. Allele origin: germline.

CeGaT Center for Human Genetics Tuebingen
Classification: Likely benign. Last evaluated: 2024-04-01. Review status: criteria provided, single submitter. Criteria: CeGaT Center For Human Genetics Tuebingen Variant Classification Criteria Version 2. Collection method: clinical testing. Allele origin: germline. Affected: yes. Observed: 1 variant allele.
Comment: IGHMBP2: BP4, BP7

Ambry Genetics
Classification: Likely benign for Inborn genetic diseases. Last evaluated: 2019-07-11. Review status: criteria provided, single submitter. Criteria: Ambry Variant Classification Scheme 2023. Collection method: clinical testing. Allele origin: germline.

GeneDx
Classification: Likely benign. Last evaluated: 2016-12-02. Review status: criteria provided, single submitter. Criteria: GeneDx Variant Classification (06012015). Collection method: clinical testing. Allele origin: germline. Affected: yes.
Comment: This variant is considered likely benign or benign based on one or more of the following criteria: it is a conservative change, it occurs at a poorly conserved position in the protein, it is predicted to be benign by multiple in silico algorithms, and/or has population frequency not consistent with disease.